The following is an entry in ClinVar:

ClinVar aggregate classification (germline): Uncertain significance. Review status: criteria provided, multiple submitters, no conflicts (2 of 4 stars). 2 submissions from 2 submitters: Uncertain significance (2). Last evaluated 2023-04-21.

Allele frequency attached by ClinVar (database versions not stated): gnomAD 0.00002; ExAC 0.00011; gnomAD exomes 0.00012; 1000 Genomes Project 0.00060; 1000 Genomes Project 30x 0.00062.
gnomAD v4.1: 69 of 1,614,150 alleles (0.0043%); highest among the groups gnomAD compares: South Asian, 0.061%; 1 homozygote.

Submissions (2):

Blueprint Genetics
Classification: Uncertain significance. Last evaluated: 2023-04-21. Review status: criteria provided, single submitter. Criteria: ACMG Guidelines, 2015. Collection method: clinical testing. Allele origin: germline.

Labcorp Genetics (formerly Invitae), Labcorp
Classification: Uncertain significance. Last evaluated: 2021-09-01. Review status: criteria provided, single submitter. Criteria: Invitae Variant Classification Sherloc (09022015). Collection method: clinical testing. Allele origin: germline.
Comment: This sequence change replaces threonine with methionine at codon 1904 of the OTOF protein (p.Thr1904Met). The threonine residue is highly conserved and there is a moderate physicochemical difference between threonine and methionine. This variant is present in population databases (rs551267412, ExAC 0.08%). This variant has not been reported in the literature in individuals affected with OTOF-related conditions. Algorithms developed to predict the effect of missense changes on protein structure and function are either unavailable or do not agree on the potential impact of this missense change (SIFT: "Deleterious"; PolyPhen-2: "Probably Damaging"; Align-GVGD: "Class C0"). Algorithms developed to predict the effect of sequence changes on RNA splicing suggest that this variant may disrupt the consensus splice site. In summary, the available evidence is currently insufficient to determine the role of this variant in disease. Therefore, it has been classified as a Variant of Uncertain Significance.

NM_194248.3(OTOF):c.5711C>T (p.Thr1904Met)

Gene: OTOF (otoferlin; minus strand). Cytogenetic location: 2p23.3.
Variant type: single nucleotide variant.
Coding change: c.5711C>T on transcript NM_194248.3 (MANE Select); coding-DNA position 5711, C replaced by T.
Protein change: p.Thr1904Met; replaces threonine 1904 with methionine.
Molecular consequence: missense variant.
Genome position (GRCh38, 1-based): chr2:26,460,853, G>A on the plus strand (C>T on the coding strand, the complement: OTOF is on the minus strand). VCF-style: chr2-26460853-G-A. GRCh37 (hg19) VCF-style: chr2-26683721-G-A.
Other names: c.5711C>T, p.Thr1904Met (NM_001287489.2); c.3410C>T, p.Thr1137Met (NM_004802.4, NM_194323.3); c.3641C>T, p.Thr1214Met (NM_194322.3); short protein forms T1137M, T1214M, T1904M.
Identifiers: ClinVar variation 1425927 (VCV001425927.6), dbSNP rs551267412, ClinGen allele CA1562742.